The following is an entry in ClinVar:

NM_005138.3(SCO2):c.244_246del (p.Lys82del)

Genes: NCAPH2 (non-SMC condensin II complex subunit H2; plus strand), SCO2 (synthesis of cytochrome C oxidase 2; minus strand). Cytogenetic location: 22q13.33.
Variant type: Deletion.
Coding change: c.244_246del on transcript NM_005138.3 (MANE Select); coding-DNA positions 244 to 246, 3 bases deleted (AAG; older notation c.244_246delAAG).
Protein change: p.Lys82del; deletes lysine 82.
Molecular consequence: inframe deletion. On other transcripts: 3 prime UTR variant (2).
Genome position (GRCh38, 1-based): chr22:50,524,166-50,524,168, CTT deleted on the plus strand (AAG on the coding strand, the reverse complement: SCO2 is on the minus strand); deleting any 3 consecutive bases within chr22:50,524,166-50,524,170 gives the same sequence; the c. name uses the placement nearest the transcript's 3' end. VCF-style (leftmost placement, unchanged base first): chr22-50524165-CCTT-C. GRCh37 (hg19) VCF-style: chr22-50962594-CCTT-C.
Other names: c.244_246del (NM_005138.2); c.*793_*795del (NM_001185011.2, NM_152299.4); c.244_246del, p.Lys82del (NM_001169109.2, NM_001169110.1, NM_001169111.2); c.244_246delAAG (NM_005138.2); short protein forms K82del.
Identifiers: ClinVar variation 1208507 (VCV001208507.9), dbSNP rs757005556, ClinGen allele CA10321253.
Genomic context (GRCh38, chr22:50,524,165, plus strand): 5'-CGCCCTGGCCCACAGCTGCCTGGCGCAGGGCTTCTGTTCGCTTTTGCTGCTGCAGCCTCT[CCTT>C]CTCAGCCCTCAGGGCCAGCCAGGCCCCACCGAGTCCAGCCCCGAACAGGCCTGTGATCAG-3'

ClinVar aggregate classification (germline): Conflicting classifications of pathogenicity. Review status: criteria provided, conflicting classifications (1 of 4 stars). 4 submissions from 4 submitters: Likely pathogenic (1); Uncertain significance (3). Last evaluated 2026-03-05.

Conditions:
Cardioencephalomyopathy, fatal infantile, due to cytochrome c oxidase deficiency 1 (MC4DN2). Also called: CYTOCHROME c OXIDASE DEFICIENCY, FATAL INFANTILE, WITH CARDIOENCEPHALOMYOPATHY; MITOCHONDRIAL COMPLEX IV DEFICIENCY, NUCLEAR TYPE 2. Identifiers: Orphanet 1561, MedGen C5399977, MONDO:0011451, OMIM 604377.
Myopia 6 (MYP6). Identifiers: MedGen C1837148, MONDO:0012154, OMIM 608908.

Submissions (4):

Myriad Genetics, Inc.
Classification: Uncertain significance for Cardioencephalomyopathy, fatal infantile, due to cytochrome c oxidase deficiency 1. Last evaluated: 2026-03-05. Review status: criteria provided, single submitter. Criteria: Myriad Autosomal Dominant, Autosomal Recessive and X-Linked Classification Criteria (2023). Collection method: clinical testing. Allele origin: unknown.
Comment: NM_005138.2(SCO2):c.244_246delAAG(K82del) is an in-frame deletion classified as a variant of uncertain significance in the context of mitochondrial complex IV deficiency, SCO2-related. K82del has been observed in a case with relevant disease (PMID: 23719228). Relevant functional assessments of this variant are not available in the literature. K82del has been observed in referenced population frequency databases. In summary, there is insufficient evidence to classify NM_005138.2(SCO2):c.244_246delAAG(K82del) as pathogenic or benign. Please note: this variant was assessed in the context of healthy population screening.

GeneDx
Classification: Likely pathogenic. Last evaluated: 2025-12-09. Review status: criteria provided, single submitter. Criteria: GeneDx Variant Classification Process June 2021. Collection method: clinical testing. Allele origin: germline. Affected: yes.
Comment: Identified in a patient with SCO2 deficiency (described as g.1367_1369delAAG due to alternate nomenclature) in the presence of a second SCO2 pathogenic variant in published literature (PMID: 23719228); Not observed at significant frequency in large population cohorts (gnomAD); In-frame deletion of 1 amino acid in a non-repeat region; In silico analysis supports a deleterious effect on protein structure/function; This variant is associated with the following publications: (PMID: 23719228, 35002215)

Department of Pathology and Laboratory Medicine, Sinai Health System
Classification: Uncertain significance for Myopia 6; Cardioencephalomyopathy, fatal infantile, due to cytochrome c oxidase deficiency 1. Last evaluated: 2023-04-27. Review status: criteria provided, single submitter. Criteria: ACMG Guidelines, 2015. Collection method: research. Allele origin: germline.

Labcorp Genetics (formerly Invitae), Labcorp
Classification: Uncertain significance. Last evaluated: 2022-07-29. Review status: criteria provided, single submitter. Criteria: Invitae Variant Classification Sherloc (09022015). Collection method: clinical testing. Allele origin: germline.
Comment: This variant, c.244_246del, results in the deletion of 1 amino acid(s) of the SCO2 protein (p.Lys82del), but otherwise preserves the integrity of the reading frame. This variant is present in population databases (rs757005556, gnomAD 0.005%). This variant has been observed in individual(s) with clinical features of cytochrome c oxidase deficiency (PMID: 23719228). This variant is also known as g.1367_1369delAAG (p.82delK). ClinVar contains an entry for this variant (Variation ID: 1208507). Experimental studies and prediction algorithms are not available or were not evaluated, and the functional significance of this variant is currently unknown. In summary, the available evidence is currently insufficient to determine the role of this variant in disease. Therefore, it has been classified as a Variant of Uncertain Significance.

Literature cited by the submitters: PubMed 23719228 (cited by Myriad Genetics, Inc. and Labcorp Genetics (formerly Invitae), Labcorp).